The following is an entry in ClinVar:

NM_001145715.3(KPNA7):c.553G>A (p.Gly185Ser)

Gene: KPNA7 (karyopherin subunit alpha 7; minus strand). Cytogenetic location: 7q22.1.
Variant type: single nucleotide variant.
Coding change: c.553G>A on transcript NM_001145715.3 (MANE Select); coding-DNA position 553, G replaced by A.
Protein change: p.Gly185Ser; replaces glycine 185 with serine.
Molecular consequence: missense variant.
Genome position (GRCh38, 1-based): chr7:99,195,070, C>T on the plus strand (G>A on the coding strand, the complement: KPNA7 is on the minus strand). VCF-style: chr7-99195070-C-T. GRCh37 (hg19) VCF-style: chr7-98792693-C-T.
Other names: short protein forms G185S.
Identifiers: ClinVar variation 1057375 (VCV001057375.8), dbSNP rs556130365, ClinGen allele CA163746618.

ClinVar aggregate classification (germline): Uncertain significance (1 of 4 stars; one submission).

Allele frequency attached by ClinVar (database versions not stated): gnomAD exomes below 0.00001; gnomAD 0.00001; TOPMed 0.00002; 1000 Genomes Project 0.00020; 1000 Genomes Project 30x 0.00031.
gnomAD v4.1: 12 of 1,551,118 alleles (0.00077%); highest among the groups gnomAD compares: African/African-American, 0.0041%; no homozygotes.

Submission:

Labcorp Genetics (formerly Invitae), Labcorp
Classification: Uncertain significance. Last evaluated: 2022-03-03. Review status: criteria provided, single submitter. Criteria: Invitae Variant Classification Sherloc (09022015). Collection method: clinical testing. Allele origin: germline.
Comment: In summary, the available evidence is currently insufficient to determine the role of this variant in disease. Therefore, it has been classified as a Variant of Uncertain Significance. Algorithms developed to predict the effect of sequence changes on RNA splicing suggest that this variant may disrupt the consensus splice site. Algorithms developed to predict the effect of missense changes on protein structure and function (SIFT, PolyPhen-2, Align-GVGD) all suggest that this variant is likely to be disruptive. ClinVar contains an entry for this variant (Variation ID: 1057375). This variant has not been reported in the literature in individuals affected with KPNA7-related conditions. This variant is not present in population databases (gnomAD no frequency). This sequence change replaces glycine, which is neutral and non-polar, with serine, which is neutral and polar, at codon 185 of the KPNA7 protein (p.Gly185Ser).